The following is an entry in ClinVar:

ClinVar aggregate classification (germline): Pathogenic/Likely pathogenic. Review status: criteria provided, multiple submitters, no conflicts (2 of 4 stars). 6 submissions from 4 submitters: Pathogenic (1); Likely pathogenic (5). Last evaluated 2023-10-23.

Conditions:
Retinitis pigmentosa 12 (RP12). Also called: RP WITH OR WITHOUT PPRPE; RP WITH OR WITHOUT PRESERVED PARAARTERIOLE RETINAL PIGMENT EPITHELIUM; RETINITIS PIGMENTOSA WITH OR WITHOUT PARAARTERIOLAR PRESERVATION OF RETINAL PIGMENT EPITHELIUM. Identifiers: Orphanet 791, MedGen C1838647, MONDO:0010818, OMIM 600105.
Leber congenital amaurosis 8 (LCA8). Identifiers: Orphanet 65, MedGen C3151202, MONDO:0013453, OMIM 613835.
Pigmented paravenous retinochoroidal atrophy. Identifiers: Orphanet 251295, MedGen C1868310, MONDO:0008246, OMIM 172870.

Submissions (6):

Baylor Genetics
Classification: Likely pathogenic for Leber congenital amaurosis 8. Last evaluated: 2023-10-23. Review status: criteria provided, single submitter. Criteria: ACMG Guidelines, 2015. Collection method: clinical testing. Allele origin: unknown.

Genome-Nilou Lab
Classification: Likely pathogenic for Leber congenital amaurosis 8. Last evaluated: 2023-04-11. Review status: criteria provided, single submitter. Criteria: ACMG Guidelines, 2015. Collection method: clinical testing. Allele origin: germline. Affected: no.

Genome-Nilou Lab
Classification: Likely pathogenic for Pigmented paravenous retinochoroidal atrophy. Last evaluated: 2023-04-11. Review status: criteria provided, single submitter. Criteria: ACMG Guidelines, 2015. Collection method: clinical testing. Allele origin: germline. Affected: no.

Genome-Nilou Lab
Classification: Likely pathogenic for Retinitis pigmentosa 12. Last evaluated: 2023-04-11. Review status: criteria provided, single submitter. Criteria: ACMG Guidelines, 2015. Collection method: clinical testing. Allele origin: germline. Affected: no.

Fulgent Genetics
Classification: Likely pathogenic for Pigmented paravenous retinochoroidal atrophy; Retinitis pigmentosa 12; Leber congenital amaurosis 8. Last evaluated: 2021-12-07. Review status: criteria provided, single submitter. Criteria: ACMG Guidelines, 2015. Collection method: clinical testing. Allele origin: unknown.

Labcorp Genetics (formerly Invitae), Labcorp
Classification: Pathogenic for Leber congenital amaurosis 8; Retinitis pigmentosa 12. Last evaluated: 2020-07-02. Review status: criteria provided, single submitter. Criteria: Invitae Variant Classification Sherloc (09022015). Collection method: clinical testing. Allele origin: germline.
Comment: This variant is present in population databases (rs751935649, ExAC 0.001%). This variant has not been reported in the literature in individuals with CRB1-related conditions. Loss-of-function variants in CRB1 are known to be pathogenic (PMID: 10508521, 22065545, 23379534, 25412400, 26957898, 28041643, 29391521). For these reasons, this variant has been classified as Pathogenic. This sequence change creates a premature translational stop signal (p.Ser586Leufs*7) in the CRB1 gene. It is expected to result in an absent or disrupted protein product.

Literature cited by the submitters: PubMed 10508521 (cited by Labcorp Genetics (formerly Invitae), Labcorp); PubMed 22065545 (cited by Labcorp Genetics (formerly Invitae), Labcorp); PubMed 23379534 (cited by Labcorp Genetics (formerly Invitae), Labcorp); PubMed 25412400 (cited by Labcorp Genetics (formerly Invitae), Labcorp); PubMed 26957898 (cited by Labcorp Genetics (formerly Invitae), Labcorp); PubMed 28041643 (cited by Labcorp Genetics (formerly Invitae), Labcorp); PubMed 29391521 (cited by Labcorp Genetics (formerly Invitae), Labcorp).

NM_201253.3(CRB1):c.1743_1755dup (p.Ser586fs)

Gene: CRB1 (crumbs cell polarity complex component 1; plus strand). Cytogenetic location: 1q31.3.
Variant type: Duplication.
Coding change: c.1743_1755dup on transcript NM_201253.3 (MANE Select); coding-DNA positions 1743 to 1755, 13 bases duplicated (CTTAATCGACGAC).
Protein change: p.Ser586fs; shifts the reading frame from serine 586.
Molecular consequence: frameshift variant. On other transcripts: non-coding transcript variant (1).
Genome position (GRCh38, 1-based): chr1:197,421,571-197,421,583, CTTAATCGACGAC duplicated; duplicating any 13 consecutive bases within chr1:197,421,569-197,421,583 gives the same sequence; the c. name uses the placement nearest the transcript's 3' end. VCF-style (leftmost placement, unchanged base first): chr1-197421568-T-TACCTTAATCGACG. GRCh37 (hg19) VCF-style: chr1-197390698-T-TACCTTAATCGACG.
Other names: c.1407_1419dup, p.Ser474fs (NM_001193640.2); c.1536_1548dup, p.Ser517fs (NM_001257965.2); c.1743_1755dup, p.Ser586fs (NM_001257966.2); short protein forms S474fs, S517fs, S586fs.
Identifiers: ClinVar variation 1074871 (VCV001074871.9), dbSNP rs751935649, ClinGen allele CA1311976.